The following is an entry in ClinVar:

ClinVar aggregate classification (germline): Uncertain significance. Review status: criteria provided, multiple submitters, no conflicts (2 of 4 stars). 2 submissions from 2 submitters: Uncertain significance (2). Last evaluated 2021-06-16.

Conditions:
Familial acute necrotizing encephalopathy (IIAE3). Also called: ENCEPHALOPATHY, ACUTE, INFECTION-INDUCED, SUSCEPTIBILITY TO, 3; Susceptibility to Acute Necrotizing Encephalopathy 1. Identifiers: Orphanet 88619, MedGen C2675556, MONDO:0011953, OMIM 608033.

Allele frequency attached by ClinVar (database versions not stated): TOPMed below 0.00001; ESP Exome Variant Server 0.00009.

Submissions (2):

Labcorp Genetics (formerly Invitae), Labcorp
Classification: Uncertain significance for Familial acute necrotizing encephalopathy. Last evaluated: 2021-06-16. Review status: criteria provided, single submitter. Criteria: Invitae Variant Classification Sherloc (09022015). Collection method: clinical testing. Allele origin: germline.
Comment: This sequence change replaces glycine with cysteine at codon 586 of the RANBP2 protein (p.Gly586Cys). The glycine residue is highly conserved and there is a large physicochemical difference between glycine and cysteine. This variant is not present in population databases (ExAC no frequency). This variant has not been reported in the literature in individuals with RANBP2-related conditions. ClinVar contains an entry for this variant (Variation ID: 930641). Algorithms developed to predict the effect of missense changes on protein structure and function are either unavailable or do not agree on the potential impact of this missense change (SIFT: "Deleterious"; PolyPhen-2: "Benign"; Align-GVGD: "Class C65"). In summary, the available evidence is currently insufficient to determine the role of this variant in disease. Therefore, it has been classified as a Variant of Uncertain Significance.

Centre for Mendelian Genomics, University Medical Centre Ljubljana
Classification: Uncertain significance for Familial acute necrotizing encephalopathy. Last evaluated: 2020-04-02. Review status: criteria provided, single submitter. Criteria: ACMG Guidelines, 2015. Collection method: clinical testing. Allele origin: unknown. Affected: yes.
Comment: This variant was classified as: Uncertain significance. The available evidence on this variant's pathogenicity is insufficient or conflicting. The following ACMG criteria were applied in classifying this variant: PM2,PP3.

NM_006267.5(RANBP2):c.1756G>T (p.Gly586Cys)

Gene: RANBP2 (RAN binding protein 2; plus strand). Cytogenetic location: 2q13.
Variant type: single nucleotide variant.
Coding change: c.1756G>T on transcript NM_006267.5 (MANE Select); coding-DNA position 1756, G replaced by T.
Protein change: p.Gly586Cys; replaces glycine 586 with cysteine.
Molecular consequence: missense variant.
Genome position (GRCh38, 1-based): chr2:108,752,998, G>T. VCF-style: chr2-108752998-G-T. GRCh37 (hg19) VCF-style: chr2-109369454-G-T.
Other names: short protein forms G586C.
Identifiers: ClinVar variation 930641 (VCV000930641.11), dbSNP rs367759539, ClinGen allele CA53444282.